The following is an entry in ClinVar:

ClinVar aggregate classification (germline): Likely benign. Review status: criteria provided, multiple submitters, no conflicts (2 of 4 stars). 4 submissions from 4 submitters: Likely benign (4). Last evaluated 2026-01-07.

Conditions:
Neurofibromatosis, type 1 (NF1). Also called: Peripheral type neurofibromatosis; VON RECKLINGHAUSEN DISEASE; NEUROFIBROMATOSIS, TYPE I, SOMATIC; Neurofibromatosis, type I. Identifiers: Orphanet 636, MedGen C0027831, MONDO:0018975, OMIM 162200. Disease mechanism: loss of function.

Submissions (4):

Labcorp Genetics (formerly Invitae), Labcorp
Classification: Likely benign for Neurofibromatosis, type 1. Last evaluated: 2026-01-07. Review status: criteria provided, single submitter. Criteria: Invitae Variant Classification Sherloc (09022015). Collection method: clinical testing. Allele origin: germline.

ARUP Laboratories, Molecular Genetics and Genomics, ARUP Laboratories
Classification: Likely benign. Last evaluated: 2023-11-10. Review status: criteria provided, single submitter. Criteria: ARUP Molecular Germline Variant Investigation Process 2024. Collection method: clinical testing. Allele origin: germline.

Genome-Nilou Lab
Classification: Likely benign for Neurofibromatosis, type 1. Last evaluated: 2022-03-15. Review status: criteria provided, single submitter. Criteria: ACMG Guidelines, 2015. Collection method: clinical testing. Allele origin: germline. Affected: no.

GeneDx
Classification: Likely benign. Last evaluated: 2017-04-11. Review status: criteria provided, single submitter. Criteria: GeneDx Variant Classification (06012015). Collection method: clinical testing. Allele origin: germline. Affected: yes.
Comment: This variant is considered likely benign or benign based on one or more of the following criteria: it is a conservative change, it occurs at a poorly conserved position in the protein, it is predicted to be benign by multiple in silico algorithms, and/or has population frequency not consistent with disease.

NM_001042492.3(NF1):c.1845+17_1845+18del

Gene: NF1 (neurofibromin 1; plus strand). Cytogenetic location: 17q11.2.
Variant type: Microsatellite.
Coding change: c.1845+17_1845+18del on transcript NM_001042492.3 (MANE Select); bases 17 to 18 of the intron after coding-DNA position 1845, 2 bases deleted (AT; older notation c.1845+17_1845+18delAT).
Molecular consequence: intron variant.
Genome position (GRCh38, 1-based): chr17:31,223,584-31,223,585, AT deleted; deleting any 2 consecutive bases within chr17:31,223,582-31,223,585 gives the same sequence; the c. name uses the placement nearest the transcript's 3' end. VCF-style (leftmost placement, unchanged base first): chr17-31223581-CAT-C. GRCh37 (hg19) VCF-style: chr17-29550599-CAT-C.
Other names: c.1845+17_1845+18del (NM_000267.4); c.1845+17_1845+18delAT (NM_000267.3).
Identifiers: ClinVar variation 508865 (VCV000508865.9), dbSNP rs765979407, ClinGen allele CA8485855.